The following is an entry in ClinVar:

ClinVar aggregate classification (germline): Uncertain significance (1 of 4 stars; one submission).

Conditions:
Dyskeratosis congenita. Identifiers: Orphanet 1775, MedGen C0265965, MONDO:0015780.

Submission:

Labcorp Genetics (formerly Invitae), Labcorp
Classification: Uncertain significance for Dyskeratosis congenita. Last evaluated: 2025-09-22. Review status: criteria provided, single submitter. Criteria: Invitae Variant Classification Sherloc (09022015). Collection method: clinical testing. Allele origin: germline.
Comment: This sequence change replaces valine, which is neutral and non-polar, with alanine, which is neutral and non-polar, at codon 105 of the DKC1 protein (p.Val105Ala). This variant is not present in population databases (gnomAD no frequency). This variant has not been reported in the literature in individuals affected with DKC1-related conditions. Invitae Evidence Modeling of protein sequence and biophysical properties (such as structural, functional, and spatial information, amino acid conservation, physicochemical variation, residue mobility, and thermodynamic stability) indicates that this missense variant is expected to disrupt DKC1 protein function with a positive predictive value of 80%. In summary, the available evidence is currently insufficient to determine the role of this variant in disease. Therefore, it has been classified as a Variant of Uncertain Significance.

NM_001363.5(DKC1):c.314T>C (p.Val105Ala)

Gene: DKC1 (dyskerin pseudouridine synthase 1; plus strand). Cytogenetic location: Xq28.
Variant type: single nucleotide variant.
Coding change: c.314T>C on transcript NM_001363.5 (MANE Select); coding-DNA position 314, T replaced by C.
Protein change: p.Val105Ala; replaces valine 105 with alanine.
Molecular consequence: missense variant. On other transcripts: non-coding transcript variant (3).
Genome position (GRCh38, 1-based): chrX:154,766,266, T>C. VCF-style: chrX-154766266-T-C. GRCh37 (hg19) VCF-style: chrX-153994541-T-C.
Other names: c.314T>C, p.Val105Ala (NM_001142463.3, NM_001288747.2); short protein forms V105A.
Identifiers: ClinVar variation 4753548 (VCV004753548.1).